The following is an entry in ClinVar:

NM_006924.5(SRSF1):c.294CGG[4] (p.Gly106_Ala107insGly)

Genes: SRSF1 (serine and arginine rich splicing factor 1; minus strand), LOC130061266 (ATAC-STARR-seq lymphoblastoid active region 12458; plus strand). Cytogenetic location: 17q22.
Variant type: Microsatellite.
Coding change: c.294CGG[4] on transcript NM_006924.5 (MANE Select); four copies in a row of the 3-base unit CGG starting at c.294; the reference has three copies in a row; one copy, 3 bases duplicated.
Protein change: p.Gly106_Ala107insGly.
Molecular consequence: inframe insertion. On other transcripts: non-coding transcript variant (2).
Genome position (GRCh38, 1-based): chr17:58,006,420-58,006,422, CCG duplicated on the plus strand (CGG on the coding strand, the reverse complement: SRSF1 is on the minus strand); duplicating any 3 consecutive bases within chr17:58,006,420-58,006,430 gives the same sequence; the position shown is the placement nearest the transcript's 3' end. VCF-style (leftmost placement, unchanged base first): chr17-58006419-C-CCCG. GRCh37 (hg19) VCF-style: chr17-56083780-C-CCCG.
Other names: c.294CGG[4], p.Gly106_Ala107insGly (NM_001078166.2).
Identifiers: ClinVar variation 4985278 (VCV004985278.1).

ClinVar aggregate classification (germline): Uncertain significance (1 of 4 stars; one submission).

Conditions:
SRSF1-related condition.

Submission:

PreventionGenetics, part of Exact Sciences
Classification: Uncertain significance for SRSF1-related condition. Last evaluated: 2026-09-21. Review status: criteria provided, single submitter. Criteria: ACMG Guidelines, 2015. Collection method: clinical testing. Allele origin: germline.
Comment: The SRSF1 c.300_302dupCGG variant is predicted to result in an in-frame duplication (p.Gly106dup). To our knowledge, this variant has not been reported in the literature. This variant is reported in 0.0029% of alleles in individuals of Latino descent in gnomAD. At this time, the clinical significance of this variant is uncertain due to the absence of conclusive functional and genetic evidence.